The following is an entry in ClinVar:

NM_006218.4(PIK3CA):c.1343_1357del (p.Val448_Leu452del)

Gene: PIK3CA (phosphatidylinositol-4,5-bisphosphate 3-kinase catalytic subunit alpha; plus strand). Cytogenetic location: 3q26.32.
Variant type: Deletion.
Coding change: c.1343_1357del on transcript NM_006218.4 (MANE Select); coding-DNA positions 1343 to 1357, 15 bases deleted (TACCTCATGGATTAG).
Protein change: p.Val448_Leu452del.
Molecular consequence: inframe deletion.
Genome position (GRCh38, 1-based): chr3:179,210,277-179,210,291, TACCTCATGGATTAG deleted; deleting any 15 consecutive bases within chr3:179,210,275-179,210,291 gives the same sequence; the c. name uses the placement nearest the transcript's 3' end. VCF-style (leftmost placement, unchanged base first): chr3-179210274-CAGTACCTCATGGATT-C. GRCh37 (hg19) VCF-style: chr3-178928062-CAGTACCTCATGGATT-C.
Identifiers: ClinVar variation 851422 (VCV000851422.1), dbSNP rs1724673930, ClinGen allele CA916081444.

ClinVar aggregate classification (germline): Uncertain significance (1 of 4 stars; one submission).

Conditions:
Cowden syndrome (CS). Also called: Cowden disease; Cowden's disease; Cowden's syndrome. Identifiers: Orphanet 201, MedGen C0018553, MONDO:0016063. Disease mechanism: gain of function.

Submission:

Labcorp Genetics (formerly Invitae), Labcorp
Classification: Uncertain significance for Cowden syndrome. Last evaluated: 2019-12-30. Review status: criteria provided, single submitter. Criteria: Invitae Variant Classification Sherloc (09022015). Collection method: clinical testing. Allele origin: germline.
Comment: This variant, c.1343_1357del, results in the deletion of 5 amino acid(s) of the PIK3CA protein (p.Val448_Leu452del), but otherwise preserves the integrity of the reading frame. This variant is not present in population databases (ExAC no frequency). This variant has been observed in individual(s) with clinical features of megalencephaly-capillary malformation syndrome (Invitae). Experimental studies and prediction algorithms are not available or were not evaluated, and the functional significance of this variant is currently unknown. In summary, the available evidence is currently insufficient to determine the role of this variant in disease. Therefore, it has been classified as a Variant of Uncertain Significance.